The following is an entry in ClinVar:

ClinVar aggregate classification (germline): Uncertain significance. Review status: criteria provided, multiple submitters, no conflicts (2 of 4 stars). 6 submissions from 6 submitters: Uncertain significance (6). Last evaluated 2025-05-11.

Conditions:
TJP2-related disorder. Also called: TJP2-related condition.
Inborn genetic diseases. Identifiers: MedGen C0950123, MeSH D030342.
Cholestasis, progressive familial intrahepatic, 4. Identifiers: Orphanet 480483, Orphanet 79304, MedGen C2931067, MONDO:0014381, OMIM 615878.

Allele frequency attached by ClinVar (database versions not stated): gnomAD exomes below 0.00001 and 0.00002; ExAC 0.00002; TOPMed 0.00005; gnomAD 0.00010; ESP Exome Variant Server 0.00015; 1000 Genomes Project 30x 0.00016; 1000 Genomes Project 0.00020.
gnomAD v4.1: 23 of 1,614,156 alleles (0.0014%); highest among the groups gnomAD compares: African/African-American, 0.021%; no homozygotes.

Submissions (6):

PreventionGenetics, part of Exact Sciences
Classification: Uncertain significance for TJP2-related condition. Last evaluated: 2025-05-11. Review status: criteria provided, single submitter. Criteria: ACMG Guidelines, 2015. Collection method: clinical testing. Allele origin: germline.
Comment: The TJP2 c.3071G>A variant is predicted to result in the amino acid substitution p.Gly1024Asp. To our knowledge, this variant has not been reported in the literature. This variant is reported in 0.032% of alleles in individuals of African descent in gnomAD. At this time, the clinical significance of this variant is uncertain due to the absence of conclusive functional and genetic evidence.

Ambry Genetics
Classification: Uncertain significance for Inborn genetic diseases. Last evaluated: 2025-02-12. Review status: criteria provided, single submitter. Criteria: Ambry Variant Classification Scheme 2023. Collection method: clinical testing. Allele origin: germline.

3billion
Classification: Uncertain significance for Cholestasis, progressive familial intrahepatic, 4. Last evaluated: 2024-08-22. Review status: criteria provided, single submitter. Criteria: ACMG Guidelines, 2015. Collection method: clinical testing. Allele origin: germline. Affected: yes.
Comment: The variant is observed at an extremely low frequency in the gnomAD v4.0.0 dataset (total allele frequency: 0.001%). Predicted Consequence/Location: Missense variant In silico tools predict the variant to alter splicing and produce an abnormal transcript [SpliceAI: 0.46 (>=0.2, moderate evidence for spliceogenicity)]. The variant has been reported as of uncertain significance (ClinVar ID: VCV000593917). Therefore, this variant is classified as VUS according to the recommendation of ACMG/AMP guideline.

Mayo Clinic Laboratories, Mayo Clinic
Classification: Uncertain significance. Last evaluated: 2024-07-24. Review status: criteria provided, single submitter. Criteria: ACMG Guidelines, 2015. Collection method: clinical testing. Allele origin: germline. Observed: 1 variant allele.
Comment: BP4_moderate

GeneDx
Classification: Uncertain significance. Last evaluated: 2022-07-08. Review status: criteria provided, single submitter. Criteria: GeneDx Variant Classification Process June 2021. Collection method: clinical testing. Allele origin: germline. Affected: yes.
Comment: In silico analysis supports that this missense variant does not alter protein structure/function; Has not been previously published as pathogenic or benign to our knowledge

Eurofins Ntd Llc (ga)
Classification: Uncertain significance. Last evaluated: 2018-09-07. Review status: criteria provided, single submitter. Criteria: EGL ClinVar v180209 classification definitions. Collection method: clinical testing. Allele origin: germline. Observed: 2 variant alleles, 2 heterozygotes.

NM_004817.4(TJP2):c.3071G>A (p.Gly1024Asp)

Gene: TJP2 (tight junction protein 2; plus strand). Cytogenetic location: 9q21.11.
Variant type: single nucleotide variant.
Coding change: c.3071G>A on transcript NM_004817.4 (MANE Select); coding-DNA position 3071, G replaced by A.
Protein change: p.Gly1024Asp; replaces glycine 1024 with aspartic acid.
Molecular consequence: missense variant. On other transcripts: intron variant (3).
Genome position (GRCh38, 1-based): chr9:69,251,114, G>A. VCF-style: chr9-69251114-G-A. GRCh37 (hg19) VCF-style: chr9-71866030-G-A.
Other names: p.Gly1024Asp; c.2972G>A, p.Gly991Asp (NM_001170415.1); c.3164G>A, p.Gly1055Asp (NM_001170416.2); c.2996G>A, p.Gly999Asp (NM_001369870.1); c.3002G>A, p.Gly1001Asp (NM_001369871.1); c.2960G>A, p.Gly987Asp (NM_001369872.1); c.2747G>A, p.Gly916Asp (NM_001369873.1); c.3083G>A, p.Gly1028Asp (NM_001369875.1); and 4 more; short protein forms G1024D, G1028D, G987D, G991D, G1001D, G1055D, G916D, G999D.
Identifiers: ClinVar variation 593917 (VCV000593917.10), dbSNP rs138564703, ClinGen allele CA5073880.